The following is an entry in ClinVar:

NM_030777.4(SLC2A10):c.883G>A (p.Gly295Ser)

Gene: SLC2A10 (solute carrier family 2 member 10; plus strand). Cytogenetic location: 20q13.12.
Variant type: single nucleotide variant.
Coding change: c.883G>A on transcript NM_030777.4 (MANE Select); coding-DNA position 883, G replaced by A.
Protein change: p.Gly295Ser; replaces glycine 295 with serine.
Molecular consequence: missense variant.
Genome position (GRCh38, 1-based): chr20:46,725,919, G>A. VCF-style: chr20-46725919-G-A. GRCh37 (hg19) VCF-style: chr20-45354558-G-A.
Other names: short protein forms G295S.
Identifiers: ClinVar variation 2625964 (VCV002625964.2), dbSNP rs2515590792, ClinGen allele CA409268435.

ClinVar aggregate classification (germline): Uncertain significance (1 of 4 stars; one submission).

Conditions:
Familial thoracic aortic aneurysm and aortic dissection (TAAD). Also called: Thoracic aortic aneurysms and dissections. Identifiers: Orphanet 91387, MedGen C4707243, MONDO:0019625.

Allele frequency attached by ClinVar (database versions not stated): gnomAD exomes below 0.00001.

Submission:

Ambry Genetics
Classification: Uncertain significance for Familial thoracic aortic aneurysm and aortic dissection. Last evaluated: 2023-07-21. Review status: criteria provided, single submitter. Criteria: Ambry Variant Classification Scheme 2023. Collection method: clinical testing. Allele origin: germline.
Comment: The p.G295S variant (also known as c.883G>A), located in coding exon 2 of the SLC2A10 gene, results from a G to A substitution at nucleotide position 883. The glycine at codon 295 is replaced by serine, an amino acid with similar properties. This amino acid position is conserved. In addition, this alteration is predicted to be deleterious by in silico analysis. Since supporting evidence is limited at this time, the clinical significance of this alteration remains unclear.